The following is an entry in ClinVar:

NM_001290043.2(TAP2):c.817C>G (p.Arg273Gly)

Gene: TAP2 (transporter 2, ATP binding cassette subfamily B member; minus strand). Cytogenetic location: 6p21.32.
Variant type: single nucleotide variant.
Coding change: c.817C>G on transcript NM_001290043.2 (MANE Select); coding-DNA position 817, C replaced by G.
Protein change: p.Arg273Gly; replaces arginine 273 with glycine.
Molecular consequence: missense variant.
Genome position (GRCh38, 1-based): chr6:32,835,282, G>C on the plus strand (C>G on the coding strand, the complement: TAP2 is on the minus strand). VCF-style: chr6-32835282-G-C. GRCh37 (hg19) VCF-style: chr6-32803059-G-C.
Other names: c.817C>G, p.Arg273Gly (NM_000544.3, NM_018833.3); short protein forms R273G.
Identifiers: ClinVar variation 1051079 (VCV001051079.4), dbSNP rs61736923, ClinGen allele CA3746053.

ClinVar aggregate classification (germline): Uncertain significance (1 of 4 stars; one submission).

Conditions:
MHC class I deficiency. Identifiers: Orphanet 34592, MedGen C6024714, MONDO:0011476.

Allele frequency attached by ClinVar (database versions not stated): gnomAD 0.00006; ExAC 0.00002.

Submission:

Labcorp Genetics (formerly Invitae), Labcorp
Classification: Uncertain significance for MHC class I deficiency 1. Last evaluated: 2022-06-22. Review status: criteria provided, single submitter. Criteria: Invitae Variant Classification Sherloc (09022015). Collection method: clinical testing. Allele origin: germline.
Comment: This sequence change replaces arginine, which is basic and polar, with glycine, which is neutral and non-polar, at codon 273 of the TAP2 protein (p.Arg273Gly). This variant is present in population databases (rs61736923, gnomAD 0.005%). This variant has not been reported in the literature in individuals affected with TAP2-related conditions. ClinVar contains an entry for this variant (Variation ID: 1051079). Algorithms developed to predict the effect of missense changes on protein structure and function are either unavailable or do not agree on the potential impact of this missense change (SIFT: "Tolerated"; PolyPhen-2: "Not Available"; Align-GVGD: "Class C0"). In summary, the available evidence is currently insufficient to determine the role of this variant in disease. Therefore, it has been classified as a Variant of Uncertain Significance.